The following is an entry in ClinVar:

ClinVar aggregate classification (germline): Uncertain significance (1 of 4 stars; one submission).

Conditions:
Familial thoracic aortic aneurysm and aortic dissection (TAAD). Also called: Thoracic aortic aneurysms and dissections. Identifiers: Orphanet 91387, MedGen C4707243, MONDO:0019625.

gnomAD v4.1: 1 of 1,613,876 alleles (0.000062%); highest among the groups gnomAD compares: Admixed American, 0.0017%; no homozygotes.

Submission:

Color Diagnostics, LLC DBA Color Health
Classification: Uncertain significance for Familial thoracic aortic aneurysm and aortic dissection. Last evaluated: 2025-08-07. Review status: criteria provided, single submitter. Criteria: ACMG Guidelines, 2015. Collection method: clinical testing. Allele origin: germline.
Comment: This missense variant replaces proline with leucine at codon 1178 of the COL3A1 protein. Computational prediction is inconclusive regarding the impact of this variant on protein structure and function. To our knowledge, functional studies have not been reported for this variant. This variant has not been reported in individuals affected with COL3A1-related disorders in the literature. This variant has not been identified in the general population by the Genome Aggregation Database (gnomAD). The available evidence is insufficient to determine the role of this variant in disease conclusively. Therefore, this variant is classified as a Variant of Uncertain Significance.

NM_000090.4(COL3A1):c.3533C>T (p.Pro1178Leu)

Gene: COL3A1 (collagen type III alpha 1 chain; plus strand). Cytogenetic location: 2q32.2.
Variant type: single nucleotide variant.
Coding change: c.3533C>T on transcript NM_000090.4 (MANE Select); coding-DNA position 3533, C replaced by T.
Protein change: p.Pro1178Leu; replaces proline 1178 with leucine.
Molecular consequence: missense variant.
Genome position (GRCh38, 1-based): chr2:189,008,931, C>T. VCF-style: chr2-189008931-C-T. GRCh37 (hg19) VCF-style: chr2-189873657-C-T.
Other names: short protein forms P1178L.
Identifiers: ClinVar variation 4759135 (VCV004759135.1).
Genomic context (GRCh38, chr2:189,008,931, plus strand): 5'-AGAGTGGCGACTGAATGTGCATACCTCAATGATCCATGTTTTACTCATTCTAGGGCTCCC[C>T]AGGCCACCCAGGGCAACCAGGCCCTCCTGGACCTCCTGGTGCCCCTGGTCCTTGCTGTGG-3'
Protein context (NP_000081.2, residues 1168-1188): NRGERGSEGS[Pro1178Leu]GHPGQPGPPG